The following is an entry in ClinVar:

ClinVar aggregate classification (germline): Uncertain significance (1 of 4 stars; one submission).

Allele frequency attached by ClinVar (database versions not stated): gnomAD exomes 0.00001; ESP Exome Variant Server 0.00015.
gnomAD v4.1: 9 of 1,583,712 alleles (0.00057%); highest among the groups gnomAD compares: African/African-American, 0.0069%; no homozygotes.

Submission:

Labcorp Genetics (formerly Invitae), Labcorp
Classification: Uncertain significance. Last evaluated: 2022-08-22. Review status: criteria provided, single submitter. Criteria: Invitae Variant Classification Sherloc (09022015). Collection method: clinical testing. Allele origin: germline.
Comment: This sequence change replaces serine, which is neutral and polar, with threonine, which is neutral and polar, at codon 2 of the RNASEH1 protein (p.Ser2Thr). This variant is present in population databases (rs375541871, gnomAD 0.004%). This variant has not been reported in the literature in individuals affected with RNASEH1-related conditions. Algorithms developed to predict the effect of missense changes on protein structure and function output the following: SIFT: "Tolerated"; PolyPhen-2: "Benign"; Align-GVGD: "Class C0". The threonine amino acid residue is found in multiple mammalian species, which suggests that this missense change does not adversely affect protein function. In summary, the available evidence is currently insufficient to determine the role of this variant in disease. Therefore, it has been classified as a Variant of Uncertain Significance.

NM_002936.6(RNASEH1):c.5G>C (p.Ser2Thr)

Genes: RNASEH1 (ribonuclease H1; minus strand), LOC129933002 (ATAC-STARR-seq lymphoblastoid active region 15231; plus strand). Cytogenetic location: 2p25.3.
Variant type: single nucleotide variant.
Coding change: c.5G>C on transcript NM_002936.6 (MANE Select); coding-DNA position 5, G replaced by C.
Protein change: p.Ser2Thr; replaces serine 2 with threonine.
Molecular consequence: missense variant. On other transcripts: 5 prime UTR variant (2), non-coding transcript variant (7).
Genome position (GRCh38, 1-based): chr2:3,558,256, C>G on the plus strand (G>C on the coding strand, the complement: RNASEH1 is on the minus strand). VCF-style: chr2-3558256-C-G. GRCh37 (hg19) VCF-style: chr2-3605846-C-G.
Other names: c.-74G>C (NM_001286834.3); c.-585G>C (NM_001286837.3); c.5G>C, p.Ser2Thr (NM_001378271.1, NM_001378272.1, NM_001378273.1); short protein forms S2T.
Identifiers: ClinVar variation 2084621 (VCV002084621.1), dbSNP rs375541871, ClinGen allele CA41532417.